The following is an entry in ClinVar:

NM_001379110.1(SLC9A6):c.559G>A (p.Val187Ile)

Gene: SLC9A6 (solute carrier family 9 member A6; plus strand). Cytogenetic location: Xq26.3.
Variant type: single nucleotide variant.
Coding change: c.559G>A on transcript NM_001379110.1 (MANE Select); coding-DNA position 559, G replaced by A.
Protein change: p.Val187Ile; replaces valine 187 with isoleucine.
Molecular consequence: missense variant.
Genome position (GRCh38, 1-based): chrX:135,998,890, G>A. VCF-style: chrX-135998890-G-A. GRCh37 (hg19) VCF-style: chrX-135081049-G-A.
Other names: c.715G>A, p.Val239Ile (NM_001042537.2); c.559G>A, p.Val187Ile (NM_001177651.2); c.463G>A, p.Val155Ile (NM_001330652.2); c.619G>A, p.Val207Ile (NM_006359.3); short protein forms V207I, V239I, V155I, V187I.
Identifiers: ClinVar variation 575064 (VCV000575064.7), dbSNP rs1556616995, ClinGen allele CA414750135.
Genomic context (GRCh38, chrX:135,998,890, plus strand): 5'-AAAGTAGGACTGTGTTTATTGAACAGGTCAATAATGTATGGCTGTGTAACGCTGATGAAG[G>A]TAACGGGACAACTTGCAGGAGATTTTTACTTTACAGATTGCCTACTGTTTGGTGCCATTG-3'
Protein context (NP_001366039.1, residues 177-197): IMYGCVTLMK[Val187Ile]TGQLAGDFYF

ClinVar aggregate classification (germline): Uncertain significance (1 of 4 stars; one submission).

Conditions:
Christianson syndrome (MRXSCH). Also called: X-linked mental retardation, syndromic, Christianson type; INTELLECTUAL DEVELOPMENTAL DISORDER, X-LINKED, SYNDROMIC, CHRISTIANSON TYPE; SLC9A6-Related Syndromic Mental Retardation. Identifiers: Orphanet 85278, MedGen C2678194, MONDO:0010278, OMIM 300243.

Allele frequency attached by ClinVar (database versions not stated): gnomAD exomes below 0.00001 and 0.00001.
gnomAD v4.1: 2 of 1,208,374 alleles (0.00017%); highest among the groups gnomAD compares: Admixed American, 0.0043%; no homozygotes.

Submission:

Labcorp Genetics (formerly Invitae), Labcorp
Classification: Uncertain significance for Christianson syndrome. Last evaluated: 2025-02-12. Review status: criteria provided, single submitter. Criteria: Invitae Variant Classification Sherloc (09022015). Collection method: clinical testing. Allele origin: germline.
Comment: This sequence change replaces valine, which is neutral and non-polar, with isoleucine, which is neutral and non-polar, at codon 207 of the SLC9A6 protein (p.Val207Ile). This variant is present in population databases (no rsID available, gnomAD 0.008%), including at least one homozygous and/or hemizygous individual. This variant has not been reported in the literature in individuals affected with SLC9A6-related conditions. ClinVar contains an entry for this variant (Variation ID: 575064). Invitae Evidence Modeling of protein sequence and biophysical properties (such as structural, functional, and spatial information, amino acid conservation, physicochemical variation, residue mobility, and thermodynamic stability) indicates that this missense variant is not expected to disrupt SLC9A6 protein function with a negative predictive value of 80%. In summary, the available evidence is currently insufficient to determine the role of this variant in disease. Therefore, it has been classified as a Variant of Uncertain Significance.